The following is an entry in ClinVar:

ClinVar aggregate classification (germline): Pathogenic/Likely pathogenic. Review status: criteria provided, multiple submitters, no conflicts (2 of 4 stars). 2 submissions from 2 submitters: Pathogenic (1); Likely pathogenic (1). Last evaluated 2024-06-07.

Conditions:
Mucopolysaccharidosis, MPS-II (MPS2). Also called: Mucopolysaccharidosis type 2; IDS deficiency; Sulfoiduronate sulfatase deficiency; SIDS deficiency; Mucopolysaccharidosis with skin involvement; Hunter Syndrome. Identifiers: Orphanet 580, Orphanet 79388, MedGen C0026705, MONDO:0010674, OMIM 309900.

Submissions (2):

Laboratory of Diagnosis and Therapy of Lysosomal Disorders, University of Padova
Classification: Likely pathogenic for Mucopolysaccharidosis, MPS-II. Last evaluated: 2024-06-07. Review status: criteria provided, single submitter. Criteria: ACMG Guidelines, 2015. Collection method: literature only. Allele origin: germline. Affected: yes. Observed: 1 variant allele.
Comment: Absent from controls (or at low frequency) in gnomAD database (PM2_Moderate), Missense change at the same amino acid residue as a pathogenic variant (PM5_Moderate), Missense variant in a gene with a low rate of benign missense variation (PP2_Supporting), Multiple lines of computational evidence support a deleterious effect (PP3_Supporting), Patient’s phenotype or family history highly specific for the disease (PP4_Moderate)

Classification method: ACMG Guidelines [PMID:25741868] with modifications

Labcorp Genetics (formerly Invitae), Labcorp
Classification: Pathogenic for Mucopolysaccharidosis, MPS-II. Last evaluated: 2022-05-21. Review status: criteria provided, single submitter. Criteria: Invitae Variant Classification Sherloc (09022015). Collection method: clinical testing. Allele origin: germline.
Comment: For these reasons, this variant has been classified as Pathogenic. This variant disrupts the p.Ser333 amino acid residue in IDS. Other variant(s) that disrupt this residue have been determined to be pathogenic (PMID: 1639384, 28543354, 30639582; Invitae). This suggests that this residue is clinically significant, and that variants that disrupt this residue are likely to be disease-causing. Advanced modeling of protein sequence and biophysical properties (such as structural, functional, and spatial information, amino acid conservation, physicochemical variation, residue mobility, and thermodynamic stability) performed at Invitae indicates that this missense variant is expected to disrupt IDS protein function. This missense change has been observed in individual(s) with mucopolysaccharidosis type II (PMID: 17391447). This variant is not present in population databases (gnomAD no frequency). This sequence change replaces serine, which is neutral and polar, with tryptophan, which is neutral and slightly polar, at codon 333 of the IDS protein (p.Ser333Trp).

Literature cited by the submitters: PubMed 27883178 (cited by Laboratory of Diagnosis and Therapy of Lysosomal Disorders, University of Padova); PubMed 1639384 (cited by Labcorp Genetics (formerly Invitae), Labcorp); PubMed 28543354 (cited by Labcorp Genetics (formerly Invitae), Labcorp); PubMed 30639582 (cited by Labcorp Genetics (formerly Invitae), Labcorp); PubMed 17391447 (cited by Labcorp Genetics (formerly Invitae), Labcorp).

NM_000202.8(IDS):c.998C>G (p.Ser333Trp)

Genes: IDS (iduronate 2-sulfatase; minus strand), LOC106050102 (IDS recombination region; plus strand). Cytogenetic location: Xq28.
Variant type: single nucleotide variant.
Coding change: c.998C>G on transcript NM_000202.8 (MANE Select); coding-DNA position 998, C replaced by G.
Protein change: p.Ser333Trp; replaces serine 333 with tryptophan.
Molecular consequence: missense variant. On other transcripts: non-coding transcript variant (1).
Genome position (GRCh38, 1-based): chrX:149,490,322, G>C on the plus strand (C>G on the coding strand, the complement: IDS is on the minus strand). VCF-style: chrX-149490322-G-C. GRCh37 (hg19) VCF-style: chrX-148571853-G-C.
Other names: c.728C>G, p.Ser243Trp (NM_001166550.4); c.998C>G, p.Ser333Trp (NM_006123.5); short protein forms S243W, S333W.
Identifiers: ClinVar variation 1459022 (VCV001459022.10), dbSNP rs104894853, ClinGen allele CA414519855.